The following is an entry in ClinVar:

ClinVar aggregate classification (germline): Uncertain significance (1 of 4 stars; one submission).

Submission:

Women's Health and Genetics/Laboratory Corporation of America, LabCorp
Classification: Uncertain significance. Last evaluated: 2026-03-26. Review status: criteria provided, single submitter. Criteria: LabCorp Variant Classification Summary - May 2015. Collection method: clinical testing. Allele origin: germline.
Comment: Variant summary: The variant involves the deletion of exon 22 in the LARS2 gene. A presumed nomenclature of c.(2532+1_2533-1)_(*1878_?)del has been designated for the purposes of this classification. The exact breakpoint at the distal 3' end of this variant is unknown, therefore this deletion may extend downstream of the annotated region of the gene. As it encompasses the termination codon, it is predicted to escape nonsense mediated decay (NMD). Loss-of-function variants in this gene are known to be pathogenic. The variant was absent in 21694 control chromosomes. The available data on variant occurrences in the general population are insufficient to allow any conclusion about variant significance. To our knowledge, no occurrence of c.(2532+1_2533-1)_(*1878_?)del in individuals affected with LARS2-related conditions and no experimental evidence demonstrating its impact on protein function have been reported. No submitters have cited clinical-significance assessments for this variant to ClinVar. Based on the evidence outlined above, the variant was classified as uncertain significance.

NC_000003.11:g.(45583449_45588842)_(45590900_?)del

Gene: LARS2 (leucyl-tRNA synthetase 2, mitochondrial; plus strand). Cytogenetic location: 3p21.31.
Variant type: Deletion.
Identifiers: ClinVar variation 4847673 (VCV004847673.1).